The following is an entry in ClinVar:

ClinVar aggregate classification (germline): Uncertain significance (1 of 4 stars; one submission).

Conditions:
Microcephaly, normal intelligence and immunodeficiency (NBS). Also called: Nijmegen breakage syndrome; IMMUNODEFICIENCY, MICROCEPHALY, AND CHROMOSOMAL INSTABILITY; Immunodeficiency, microcephaly with normal intelligence; Microcephaly with normal intelligence immunodeficiency and lymphoreticular malignancies; Nonsyndromal microcephaly autosomal recessive with normal intelligence; Seemanova syndrome 2. Identifiers: Orphanet 647, MedGen C0398791, MONDO:0009623, OMIM 251260.

Submission:

Labcorp Genetics (formerly Invitae), Labcorp
Classification: Uncertain significance for Microcephaly, normal intelligence and immunodeficiency. Last evaluated: 2019-07-30. Review status: criteria provided, single submitter. Criteria: Invitae Variant Classification Sherloc (09022015). Collection method: clinical testing. Allele origin: germline.
Comment: In summary, the available evidence is currently insufficient to determine the role of this variant in disease. Therefore, it has been classified as a Variant of Uncertain Significance. Algorithms developed to predict the effect of missense changes on protein structure and function output the following: SIFT: "Tolerated"; PolyPhen-2: "Benign"; Align-GVGD: "Class C0". The aspartic acid amino acid residue is found in multiple mammalian species, suggesting that this missense change does not adversely affect protein function. These predictions have not been confirmed by published functional studies and their clinical significance is uncertain. This variant has not been reported in the literature in individuals with NBN-related conditions. This variant is not present in population databases (ExAC no frequency). This sequence change replaces glycine with aspartic acid at codon 345 of the NBN protein (p.Gly345Asp). The glycine residue is weakly conserved and there is a moderate physicochemical difference between glycine and aspartic acid.

NM_002485.5(NBN):c.1034G>A (p.Gly345Asp)

Gene: NBN (nibrin; minus strand). Cytogenetic location: 8q21.3.
Variant type: single nucleotide variant.
Coding change: c.1034G>A on transcript NM_002485.5 (MANE Select); coding-DNA position 1034, G replaced by A.
Protein change: p.Gly345Asp; replaces glycine 345 with aspartic acid.
Molecular consequence: missense variant.
Genome position (GRCh38, 1-based): chr8:89,958,815, C>T on the plus strand (G>A on the coding strand, the complement: NBN is on the minus strand). VCF-style: chr8-89958815-C-T. GRCh37 (hg19) VCF-style: chr8-90971043-C-T.
Other names: c.788G>A, p.Gly263Asp (NM_001024688.3); short protein forms G263D, G345D.
Identifiers: ClinVar variation 944785 (VCV000944785.9), dbSNP rs587780089, ClinGen allele CA371656744.